The following is an entry in ClinVar:

ClinVar aggregate classification (germline): Uncertain significance. Review status: criteria provided, multiple submitters, no conflicts (2 of 4 stars). 3 submissions from 3 submitters: Uncertain significance (3). Last evaluated 2025-08-07.

Conditions:
Familial thoracic aortic aneurysm and aortic dissection (TAAD). Also called: Thoracic aortic aneurysms and dissections. Identifiers: Orphanet 91387, MedGen C4707243, MONDO:0019625.
Marfan syndrome (MFS). Also called: MARFAN SYNDROME, TYPE I; Marfan syndrome type 1; Marfan's syndrome; Marfan syndrome, classic; FBN1-Related Marfan Syndrome. Identifiers: Orphanet 284963, Orphanet 558, MedGen C0024796, MONDO:0007947, OMIM 154700.

gnomAD v4.1: 1 of 1,613,958 alleles (0.000062%); highest among the groups gnomAD compares: Non-Finnish European, 0.000085%; no homozygotes.

Submissions (3):

Labcorp Genetics (formerly Invitae), Labcorp
Classification: Uncertain significance for Marfan syndrome; Familial thoracic aortic aneurysm and aortic dissection. Last evaluated: 2025-08-07. Review status: criteria provided, single submitter. Criteria: Invitae Variant Classification Sherloc (09022015). Collection method: clinical testing. Allele origin: germline.
Comment: This sequence change replaces threonine, which is neutral and polar, with arginine, which is basic and polar, at codon 524 of the FBN1 protein (p.Thr524Arg). This variant is present in population databases (rs370575495, gnomAD 0.0009%). This variant has not been reported in the literature in individuals affected with FBN1-related conditions. ClinVar contains an entry for this variant (Variation ID: 3903233). Invitae Evidence Modeling of protein sequence and biophysical properties (such as structural, functional, and spatial information, amino acid conservation, physicochemical variation, residue mobility, and thermodynamic stability) indicates that this missense variant is expected to disrupt FBN1 protein function with a positive predictive value of 95%. In summary, the available evidence is currently insufficient to determine the role of this variant in disease. Therefore, it has been classified as a Variant of Uncertain Significance.

Color Diagnostics, LLC DBA Color Health
Classification: Uncertain significance for Familial thoracic aortic aneurysm and aortic dissection. Last evaluated: 2025-06-18. Review status: criteria provided, single submitter. Criteria: ACMG Guidelines, 2015. Collection method: clinical testing. Allele origin: germline.
Comment: This missense variant replaces threonine with arginine at codon 524 of the FBN1 protein. Computational prediction suggests that this variant may have a deleterious impact on protein structure and function. To our knowledge, functional studies have not been reported for this variant. This variant has not been reported in individuals affected with FBN1-related disorders in the literature. This variant has been identified in 1/251290 chromosomes in the general population by the Genome Aggregation Database (gnomAD). The available evidence is insufficient to determine the role of this variant in disease conclusively. Therefore, this variant is classified as a Variant of Uncertain Significance.

GeneDx
Classification: Uncertain significance. Last evaluated: 2024-12-11. Review status: criteria provided, single submitter. Criteria: GeneDx Variant Classification Process June 2021. Collection method: clinical testing. Allele origin: germline. Affected: yes.
Comment: Not observed at significant frequency in large population cohorts (gnomAD); Has not been previously published as pathogenic or benign to our knowledge; This variant is associated with the following publications: (PMID: 12938084)

NM_000138.5(FBN1):c.1571C>G (p.Thr524Arg)

Gene: FBN1 (fibrillin 1; minus strand). Cytogenetic location: 15q21.1.
Variant type: single nucleotide variant.
Coding change: c.1571C>G on transcript NM_000138.5 (MANE Select); coding-DNA position 1571, C replaced by G.
Protein change: p.Thr524Arg; replaces threonine 524 with arginine.
Molecular consequence: missense variant.
Genome position (GRCh38, 1-based): chr15:48,513,566, G>C on the plus strand (C>G on the coding strand, the complement: FBN1 is on the minus strand). VCF-style: chr15-48513566-G-C. GRCh37 (hg19) VCF-style: chr15-48805763-G-C.
Other names: c.1571C>G, p.Thr524Arg (NM_001406716.1); short protein forms T524R.
Identifiers: ClinVar variation 3903233 (VCV003903233.3).